The following is an entry in ClinVar:

ClinVar aggregate classification (germline): Benign (0 of 4 stars; one submission).

Conditions:
CCAR2-related disorder. Also called: CCAR2-related condition.

Allele frequency attached by ClinVar (database versions not stated): TOPMed 0.29935; gnomAD 0.30243; 1000 Genomes Project 30x 0.30278; 1000 Genomes Project 0.30351; ExAC 0.30419; ESP Exome Variant Server 0.31170; gnomAD exomes 0.31949.
gnomAD v4.1: 511,806 of 1,610,666 alleles (32%); highest among the groups gnomAD compares: South Asian, 36%; 82,545 homozygotes.

Submission:

PreventionGenetics, part of Exact Sciences
Classification: Benign for CCAR2-related condition. Last evaluated: 2019-10-17. Review status: no assertion criteria provided. Collection method: clinical testing. Allele origin: germline.
Comment: This variant is classified as benign based on ACMG/AMP sequence variant interpretation guidelines (Richards et al. 2015 PMID: 25741868, with internal and published modifications).

NM_001393997.1(CCAR2):c.84C>T (p.Gly28=)

Gene: CCAR2 (cell cycle and apoptosis regulator 2; plus strand). Cytogenetic location: 8p21.3.
Variant type: single nucleotide variant.
Coding change: c.84C>T on transcript NM_001393997.1 (MANE Select); coding-DNA position 84, C replaced by T.
Protein change: p.Gly28=; no amino-acid change (glycine 28 retained).
Molecular consequence: synonymous variant.
Genome position (GRCh38, 1-based): chr8:22,606,110, C>T. VCF-style: chr8-22606110-C-T. GRCh37 (hg19) VCF-style: chr8-22463623-C-T.
Other names: c.84C>T, p.Gly28= (NM_001363068.2, NM_001363069.2, NM_021174.6).
Identifiers: ClinVar variation 3059932 (VCV003059932.2), dbSNP rs7843828, ClinGen allele CA4670159.
Genomic context (GRCh38, chr8:22,606,110, plus strand): 5'-GGCGGTTCCTGGAGATTGCTTCTCTTTCCCCATAGGCACAGCTTCAACATCTCTTCTGGG[C>T]CCTCCTCCTGGTTTGCTCACTCCTCCTGTGGCCACAGAACTGTCCCAGAATGCCAGGCAC-3'
Protein context (NP_001380926.1, residues 18-38): FSGTASTSLL[Gly28=]PPPGLLTPPV